The following is an entry in ClinVar:

ClinVar aggregate classification (germline): Uncertain significance (1 of 4 stars; one submission).

Submission:

GeneDx
Classification: Uncertain significance. Last evaluated: 2023-05-23. Review status: criteria provided, single submitter. Criteria: GeneDx Variant Classification Process June 2021. Collection method: clinical testing. Allele origin: germline. Affected: yes.
Comment: Not observed at significant frequency in large population cohorts (gnomAD); In silico analysis supports that this missense variant has a deleterious effect on protein structure/function; In silico analysis supports a deleterious effect on splicing. However, in the absence of RNA/functional studies, the actual effect of this sequence change is unknown.; Has not been previously published as pathogenic or benign to our knowledge

NM_005611.4(RBL2):c.1631A>G (p.Tyr544Cys)

Gene: RBL2 (RB transcriptional corepressor like 2; plus strand). Cytogenetic location: 16q12.2.
Variant type: single nucleotide variant.
Coding change: c.1631A>G on transcript NM_005611.4 (MANE Select); coding-DNA position 1631, A replaced by G.
Protein change: p.Tyr544Cys; replaces tyrosine 544 with cysteine.
Molecular consequence: missense variant.
Genome position (GRCh38, 1-based): chr16:53,464,296, A>G. VCF-style: chr16-53464296-A-G. GRCh37 (hg19) VCF-style: chr16-53498208-A-G.
Other names: c.1631A>G, p.Tyr544Cys (NM_001323608.2, NM_001323609.2, NM_001323610.2); c.1409A>G, p.Tyr470Cys (NM_001323611.1); short protein forms Y470C, Y544C.
Identifiers: ClinVar variation 3343675 (VCV003343675.1).